The following is an entry in ClinVar:

ClinVar aggregate classification (germline): Uncertain significance (1 of 4 stars; one submission).

Conditions:
SLC2A1-related disorder. Also called: SLC2A1-related disorders; SLC2A1-related condition.

Submission:

PreventionGenetics, part of Exact Sciences
Classification: Uncertain significance for SLC2A1-related condition. Last evaluated: 2025-03-11. Review status: criteria provided, single submitter. Criteria: ACMG Guidelines, 2015. Collection method: clinical testing. Allele origin: germline.
Comment: The SLC2A1 c.1469C>G variant is predicted to result in the amino acid substitution p.Ser490Cys. To our knowledge, this variant has not been reported in the literature or in a large population database (gnomAD), indicating it is rare. At this time, the clinical significance of this variant is uncertain due to the absence of conclusive functional and genetic evidence.

NM_006516.4(SLC2A1):c.1469C>G (p.Ser490Cys)

Gene: SLC2A1 (solute carrier family 2 member 1; minus strand). Cytogenetic location: 1p34.2.
Variant type: single nucleotide variant.
Coding change: c.1469C>G on transcript NM_006516.4 (MANE Select); coding-DNA position 1469, C replaced by G.
Protein change: p.Ser490Cys; replaces serine 490 with cysteine.
Molecular consequence: missense variant.
Genome position (GRCh38, 1-based): chr1:42,927,051, G>C on the plus strand (C>G on the coding strand, the complement: SLC2A1 is on the minus strand). VCF-style: chr1-42927051-G-C. GRCh37 (hg19) VCF-style: chr1-43392722-G-C.
Other names: short protein forms S490C.
Identifiers: ClinVar variation 4998764 (VCV004998764.1).